The following is an entry in ClinVar:

NM_016734.3(PAX5):c.1103C>T (p.Ser368Phe)

Gene: PAX5 (paired box 5; minus strand). Cytogenetic location: 9p13.2.
Variant type: single nucleotide variant.
Coding change: c.1103C>T on transcript NM_016734.3 (MANE Select); coding-DNA position 1103, C replaced by T.
Protein change: p.Ser368Phe; replaces serine 368 with phenylalanine.
Molecular consequence: missense variant. On other transcripts: non-coding transcript variant (2).
Genome position (GRCh38, 1-based): chr9:36,840,633, G>A on the plus strand (C>T on the coding strand, the complement: PAX5 is on the minus strand). VCF-style: chr9-36840633-G-A. GRCh37 (hg19) VCF-style: chr9-36840630-G-A.
Other names: c.1001C>T, p.Ser334Phe (NM_001280547.2); c.1016C>T, p.Ser339Phe (NM_001280548.2); c.871C>T, p.Pro291Ser (NM_001280549.2); c.784C>T, p.Pro262Ser (NM_001280550.2); c.590C>T, p.Ser197Phe (NM_001280551.2); c.914C>T, p.Ser305Phe (NM_001280552.2); c.887C>T, p.Ser296Phe (NM_001280553.2); c.974C>T, p.Ser325Phe (NM_001280554.2); and 2 more; short protein forms P262S, P291S, S197F, S260F, S268F, S296F, S305F, S325F.
Identifiers: ClinVar variation 4861614 (VCV004861614.1).

ClinVar aggregate classification (germline): Uncertain significance (1 of 4 stars; one submission).

Conditions:
Inborn genetic diseases. Identifiers: MedGen C0950123, MeSH D030342.

gnomAD v4.1: 3 of 1,561,990 alleles (0.00019%); highest among the groups gnomAD compares: Non-Finnish European, 0.00026%; no homozygotes.

Submission:

Ambry Genetics
Classification: Uncertain significance for Inborn genetic diseases. Last evaluated: 2026-05-14. Review status: criteria provided, single submitter. Criteria: Ambry Variant Classification Scheme 2023. Collection method: clinical testing. Allele origin: germline.
Comment: The p.S368F variant (also known as c.1103C>T), located in coding exon 10 of the PAX5 gene, results from a C to T substitution at nucleotide position 1103. The serine at codon 368 is replaced by phenylalanine, an amino acid with highly dissimilar properties. This amino acid position is conserved. In addition, this alteration is predicted to be deleterious by in silico analysis. Based on the available evidence, the clinical significance of this variant remains unclear.